The following is an entry in ClinVar:

ClinVar aggregate classification (germline): Uncertain significance (1 of 4 stars; one submission).

gnomAD v4.1: 6 of 1,613,702 alleles (0.00037%); highest among the groups gnomAD compares: Non-Finnish European, 0.00051%; no homozygotes.

Submission:

Labcorp Genetics (formerly Invitae), Labcorp
Classification: Uncertain significance. Last evaluated: 2024-08-15. Review status: criteria provided, single submitter. Criteria: Invitae Variant Classification Sherloc (09022015). Collection method: clinical testing. Allele origin: germline.
Comment: This sequence change falls in intron 24 of the ERBB2 gene. It does not directly change the encoded amino acid sequence of the ERBB2 protein. It affects a nucleotide within the consensus splice site. This variant is not present in population databases (gnomAD no frequency). This variant has not been reported in the literature in individuals affected with ERBB2-related conditions. Variants that disrupt the consensus splice site are a relatively common cause of aberrant splicing (PMID: 17576681, 9536098). Algorithms developed to predict the effect of sequence changes on RNA splicing suggest that this variant is not likely to affect RNA splicing. In summary, the available evidence is currently insufficient to determine the role of this variant in disease. Therefore, it has been classified as a Variant of Uncertain Significance.

Literature cited by the submitters: PubMed 17576681; PubMed 9536098.

NM_004448.4(ERBB2):c.2970+6G>T

Gene: ERBB2 (erb-b2 receptor tyrosine kinase 2; plus strand). Cytogenetic location: 17q12.
Variant type: single nucleotide variant.
Coding change: c.2970+6G>T on transcript NM_004448.4 (MANE Select); 6 bases into the intron after coding-DNA position 2970, G replaced by T.
Molecular consequence: intron variant.
Genome position (GRCh38, 1-based): chr17:39,726,665, G>T. VCF-style: chr17-39726665-G-T. GRCh37 (hg19) VCF-style: chr17-37882918-G-T.
Other names: c.2880+6G>T (NM_001382782.1, NM_001005862.3, NM_001382783.1); c.2925+6G>T (NM_001289936.2); c.3045+6G>T (NM_001382787.1); c.3087+6G>T (NM_001382784.1); c.3051+6G>T (NM_001382786.1); c.2991+6G>T (NM_001382789.1); c.3000+6G>T (NM_001382788.1); c.3072+6G>T (NM_001382785.1); and 15 more.
Identifiers: ClinVar variation 3691571 (VCV003691571.2).